The following is an entry in ClinVar:

NM_002227.4(JAK1):c.3121C>T (p.Arg1041Trp)

Gene: JAK1 (Janus kinase 1; minus strand). Cytogenetic location: 1p31.3.
Variant type: single nucleotide variant.
Coding change: c.3121C>T on transcript NM_002227.4 (MANE Select); coding-DNA position 3121, C replaced by T.
Protein change: p.Arg1041Trp; replaces arginine 1041 with tryptophan.
Molecular consequence: missense variant.
Genome position (GRCh38, 1-based): chr1:64,837,951, G>A on the plus strand (C>T on the coding strand, the complement: JAK1 is on the minus strand). VCF-style: chr1-64837951-G-A. GRCh37 (hg19) VCF-style: chr1-65303634-G-A.
Other names: c.3121C>T, p.Arg1041Trp (NM_001320923.2, NM_001321852.2, NM_001321853.2 and 3 more transcripts); c.3118C>T, p.Arg1040Trp (NM_001321857.2); short protein forms R1041W, R1040W.
Identifiers: ClinVar variation 4773994 (VCV004773994.1).

ClinVar aggregate classification (germline): Uncertain significance (1 of 4 stars; one submission).

gnomAD v4.1: 2 of 1,613,496 alleles (0.00012%); highest among the groups gnomAD compares: Non-Finnish European, 0.00017%; no homozygotes.

Submission:

Labcorp Genetics (formerly Invitae), Labcorp
Classification: Uncertain significance. Last evaluated: 2025-11-23. Review status: criteria provided, single submitter. Criteria: Invitae Variant Classification Sherloc (09022015). Collection method: clinical testing. Allele origin: germline.
Comment: This sequence change replaces arginine, which is basic and polar, with tryptophan, which is neutral and slightly polar, at codon 1041 of the JAK1 protein (p.Arg1041Trp). This variant is present in population databases (no rsID available, gnomAD 0.0009%). This variant has not been reported in the literature in individuals affected with JAK1-related conditions. Invitae Evidence Modeling of protein sequence and biophysical properties (such as structural, functional, and spatial information, amino acid conservation, physicochemical variation, residue mobility, and thermodynamic stability) indicates that this missense variant is expected to disrupt JAK1 protein function with a positive predictive value of 80%. In summary, the available evidence is currently insufficient to determine the role of this variant in disease. Therefore, it has been classified as a Variant of Uncertain Significance.